The following is an entry in ClinVar:

ClinVar aggregate classification (germline): Uncertain significance (1 of 4 stars; one submission).

Conditions:
Epidermodysplasia verruciformis. Identifiers: Orphanet 302, MedGen C0014522, MONDO:0009176.

gnomAD v4.1: 12 of 1,603,658 alleles (0.00075%); highest among the groups gnomAD compares: Admixed American, 0.0017%; no homozygotes.

Submission:

Labcorp Genetics (formerly Invitae), Labcorp
Classification: Uncertain significance for Epidermodysplasia verruciformis. Last evaluated: 2024-07-31. Review status: criteria provided, single submitter. Criteria: Invitae Variant Classification Sherloc (09022015). Collection method: clinical testing. Allele origin: germline.
Comment: This sequence change replaces proline, which is neutral and non-polar, with leucine, which is neutral and non-polar, at codon 712 of the TMC6 protein (p.Pro712Leu). The frequency data for this variant in the population databases is considered unreliable, as metrics indicate poor data quality at this position in the gnomAD database. This variant has not been reported in the literature in individuals affected with TMC6-related conditions. An algorithm developed to predict the effect of missense changes on protein structure and function (PolyPhen-2) suggests that this variant is likely to be tolerated. In summary, the available evidence is currently insufficient to determine the role of this variant in disease. Therefore, it has been classified as a Variant of Uncertain Significance.

NM_001127198.5(TMC6):c.2135C>T (p.Pro712Leu)

Gene: TMC6 (transmembrane channel like 6; minus strand). Cytogenetic location: 17q25.3.
Variant type: single nucleotide variant.
Coding change: c.2135C>T on transcript NM_001127198.5 (MANE Select); coding-DNA position 2135, C replaced by T.
Protein change: p.Pro712Leu; replaces proline 712 with leucine.
Molecular consequence: missense variant. On other transcripts: non-coding transcript variant (4).
Genome position (GRCh38, 1-based): chr17:78,117,531, G>A on the plus strand (C>T on the coding strand, the complement: TMC6 is on the minus strand). VCF-style: chr17-78117531-G-A. GRCh37 (hg19) VCF-style: chr17-76113612-G-A.
Other names: c.2135C>T, p.Pro712Leu (NM_001321185.1, NM_001374596.1, NM_001375353.1 and 2 more transcripts); c.1955C>T, p.Pro652Leu (NM_001374593.1, NM_001374594.1); short protein forms P712L, P652L.
Identifiers: ClinVar variation 3707413 (VCV003707413.2).